The following is an entry in ClinVar:

ClinVar aggregate classification (germline): Uncertain significance. Review status: criteria provided, multiple submitters, no conflicts (2 of 4 stars). 2 submissions from 2 submitters: Uncertain significance (2). Last evaluated 2024-02-02.

Conditions:
Cardiovascular phenotype. Identifiers: MedGen CN230736.
RASopathy. Also called: rasopathies; Noonan spectrum disorder. Identifiers: Orphanet 536391, MedGen C5555857, MONDO:0021060.

Allele frequency attached by ClinVar (database versions not stated): gnomAD exomes below 0.00001.
gnomAD v4.1: 3 of 1,614,132 alleles (0.00019%); highest among the groups gnomAD compares: Non-Finnish European, 0.00025%; no homozygotes.

Submissions (2):

Labcorp Genetics (formerly Invitae), Labcorp
Classification: Uncertain significance for RASopathy. Last evaluated: 2024-02-02. Review status: criteria provided, single submitter. Criteria: Invitae Variant Classification Sherloc (09022015). Collection method: clinical testing. Allele origin: germline.
Comment: This sequence change replaces serine, which is neutral and polar, with cysteine, which is neutral and slightly polar, at codon 604 of the RAF1 protein (p.Ser604Cys). This variant is not present in population databases (gnomAD no frequency). This variant has not been reported in the literature in individuals affected with RAF1-related conditions. ClinVar contains an entry for this variant (Variation ID: 2587887). Advanced modeling of protein sequence and biophysical properties (such as structural, functional, and spatial information, amino acid conservation, physicochemical variation, residue mobility, and thermodynamic stability) has been performed at Invitae for this missense variant, however the output from this modeling did not meet the statistical confidence thresholds required to predict the impact of this variant on RAF1 protein function. In summary, the available evidence is currently insufficient to determine the role of this variant in disease. Therefore, it has been classified as a Variant of Uncertain Significance.

Ambry Genetics
Classification: Uncertain significance for Cardiovascular phenotype. Last evaluated: 2023-09-10. Review status: criteria provided, single submitter. Criteria: Ambry Variant Classification Scheme 2023. Collection method: clinical testing. Allele origin: germline.
Comment: The p.S604C variant (also known as c.1811C>G), located in coding exon 16 of the RAF1 gene, results from a C to G substitution at nucleotide position 1811. The serine at codon 604 is replaced by cysteine, an amino acid with dissimilar properties. This amino acid position is conserved. In addition, the in silico prediction for this alteration is inconclusive. Since supporting evidence is limited at this time, the clinical significance of this alteration remains unclear.

NM_002880.4(RAF1):c.1811C>G (p.Ser604Cys)

Gene: RAF1 (Raf-1 proto-oncogene, serine/threonine kinase; minus strand). Cytogenetic location: 3p25.2.
Variant type: single nucleotide variant.
Coding change: c.1811C>G on transcript NM_002880.4 (MANE Select); coding-DNA position 1811, C replaced by G.
Protein change: p.Ser604Cys; replaces serine 604 with cysteine.
Molecular consequence: missense variant. On other transcripts: non-coding transcript variant (3).
Genome position (GRCh38, 1-based): chr3:12,584,650, G>C on the plus strand (C>G on the coding strand, the complement: RAF1 is on the minus strand). VCF-style: chr3-12584650-G-C. GRCh37 (hg19) VCF-style: chr3-12626149-G-C.
Other names: c.1871C>G, p.Ser624Cys (NM_001354689.3); c.1811C>G, p.Ser604Cys (NM_001354690.3); c.1568C>G, p.Ser523Cys (NM_001354691.3, NM_001354692.3); c.1712C>G, p.Ser571Cys (NM_001354693.3); c.1628C>G, p.Ser543Cys (NM_001354694.3); c.1469C>G, p.Ser490Cys (NM_001354695.3); short protein forms S523C, S624C, S490C, S543C, S604C, S571C.
Identifiers: ClinVar variation 2587887 (VCV002587887.4), dbSNP rs748925179, ClinGen allele CA351496240.